The following is an entry in ClinVar:

ClinVar aggregate classification (germline): Likely benign. Review status: criteria provided, multiple submitters, no conflicts (2 of 4 stars). 2 submissions from 2 submitters: Likely benign (2). Last evaluated 2024-02-01.

Allele frequency attached by ClinVar (database versions not stated): TOPMed below 0.00001.
gnomAD v4.1: 38 of 1,613,964 alleles (0.0024%); highest among the groups gnomAD compares: Non-Finnish European, 0.003%; no homozygotes.

Submissions (2):

CeGaT Center for Human Genetics Tuebingen
Classification: Likely benign. Last evaluated: 2024-02-01. Review status: criteria provided, single submitter. Criteria: CeGaT Center For Human Genetics Tuebingen Variant Classification Criteria Version 2. Collection method: clinical testing. Allele origin: germline. Affected: yes. Observed: 1 variant allele.
Comment: ADSS1: BP4, BP7

Labcorp Genetics (formerly Invitae), Labcorp
Classification: Likely benign. Last evaluated: 2023-09-19. Review status: criteria provided, single submitter. Criteria: Invitae Variant Classification Sherloc (09022015). Collection method: clinical testing. Allele origin: germline.

NM_152328.5(ADSS1):c.654C>G (p.Leu218=)

Gene: ADSS1 (adenylosuccinate synthase 1; plus strand). Cytogenetic location: 14q32.33.
Variant type: single nucleotide variant.
Coding change: c.654C>G on transcript NM_152328.5 (MANE Select); coding-DNA position 654, C replaced by G.
Protein change: p.Leu218=; no amino-acid change (leucine 218 retained).
Molecular consequence: synonymous variant.
Genome position (GRCh38, 1-based): chr14:104,740,908, C>G. VCF-style: chr14-104740908-C-G. GRCh37 (hg19) VCF-style: chr14-105207245-C-G.
Other names: c.783C>G, p.Leu261= (NM_199165.2); c.39C>G, p.Leu13= (NM_001320424.1).
Identifiers: ClinVar variation 1681951 (VCV001681951.30), dbSNP rs202160058, ClinGen allele CA7373784.